The following is an entry in ClinVar:

NM_007055.4(POLR3A):c.2040G>A (p.Met680Ile)

Gene: POLR3A (RNA polymerase III subunit A; minus strand). Cytogenetic location: 10q22.3.
Variant type: single nucleotide variant.
Coding change: c.2040G>A on transcript NM_007055.4 (MANE Select); coding-DNA position 2040, G replaced by A.
Protein change: p.Met680Ile; replaces methionine 680 with isoleucine.
Molecular consequence: missense variant.
Genome position (GRCh38, 1-based): chr10:78,007,736, C>T on the plus strand (G>A on the coding strand, the complement: POLR3A is on the minus strand). VCF-style: chr10-78007736-C-T. GRCh37 (hg19) VCF-style: chr10-79767494-C-T.
Other names: short protein forms M680I.
Identifiers: ClinVar variation 4071887 (VCV004071887.2).

ClinVar aggregate classification (germline): Uncertain significance (1 of 4 stars; one submission).

gnomAD v4.1: 3 of 1,613,968 alleles (0.00019%); highest among the groups gnomAD compares: African/African-American, 0.0013%; no homozygotes.

Submission:

GeneDx
Classification: Uncertain significance. Last evaluated: 2026-03-24. Review status: criteria provided, single submitter. Criteria: GeneDx Variant Classification Process June 2021. Collection method: clinical testing. Allele origin: germline.
Comment: Not observed at significant frequency in large population cohorts (gnomAD); In silico analysis supports that this missense variant has a deleterious effect on protein structure/function; Has not been previously published as pathogenic or benign to our knowledge